The following is an entry in ClinVar:

ClinVar aggregate classification (germline): Likely pathogenic (1 of 4 stars; one submission).

Conditions:
Atelis syndrome 2 (ATELS2). Also called: POOR GROWTH, MICROCEPHALY, DYSMORPHIC FACIES, AND CARDIAC DEFECTS; MOSAIC VARIEGATED ANEUPLOIDY SYNDROME 6. Identifiers: MedGen C5774282, MONDO:0859576, OMIM 620185.

Submission:

First Genomix Gene Laboratory, Genetic Diagnostics Department
Classification: Likely pathogenic for Atelis syndrome 2. Last evaluated: 2025-05-08. Review status: criteria provided, single submitter. Criteria: ACMG Guidelines, 2015. Collection method: clinical testing. Allele origin: germline. Inheritance: Autosomal recessive inheritance. Affected: no. Observed: 1 variant allele.

NM_015110.4(SMC5):c.1694_1697del (p.Ser564_Tyr565insTer)

Gene: SMC5 (structural maintenance of chromosomes 5; plus strand). Cytogenetic location: 9q21.12.
Variant type: Deletion.
Coding change: c.1694_1697del on transcript NM_015110.4 (MANE Select); coding-DNA positions 1694 to 1697, 4 bases deleted (ATTT; older notation c.1694_1697delATTT).
Protein change: p.Ser564_Tyr565insTer.
Molecular consequence: nonsense.
Genome position (GRCh38, 1-based): chr9:70,315,466-70,315,469, ATTT deleted; deleting any 4 consecutive bases within chr9:70,315,464-70,315,469 gives the same sequence; the c. name uses the placement nearest the transcript's 3' end. VCF-style (leftmost placement, unchanged base first): chr9-70315463-CTTAT-C. GRCh37 (hg19) VCF-style: chr9-72930379-CTTAT-C.
Other names: c.1694_1697delATTT (NM_015110.4).
Identifiers: ClinVar variation 4845894 (VCV004845894.1).